The following is an entry in ClinVar:

ClinVar aggregate classification (germline): Pathogenic (1 of 4 stars; one submission).

Conditions:
Hereditary cancer-predisposing syndrome. Also called: Hereditary neoplastic syndrome; Hereditary Cancer Syndrome; Neoplastic Syndromes, Hereditary; Tumor predisposition. Identifiers: Orphanet 140162, MedGen C0027672, MeSH D009386, MONDO:0015356.

Submission:

Ambry Genetics
Classification: Pathogenic for Hereditary cancer-predisposing syndrome. Last evaluated: 2023-03-20. Review status: criteria provided, single submitter. Criteria: Ambry Variant Classification Scheme 2023. Collection method: clinical testing. Allele origin: germline.
Comment: The c.490_496delTGGTTAG pathogenic mutation, located in coding exon 4 of the ATM gene, results from a deletion of 7 nucleotides at nucleotide positions 490 to 496, causing a translational frameshift with a predicted alternate stop codon (p.W164Nfs*11). This variant is considered to be rare based on population cohorts in the Genome Aggregation Database (gnomAD). This alteration is expected to result in loss of function by premature protein truncation or nonsense-mediated mRNA decay. As such, this alteration is interpreted as a disease-causing mutation.

NM_000051.4(ATM):c.490_496del (p.Trp164fs)

Gene: ATM (ATM serine/threonine kinase; plus strand). Cytogenetic location: 11q22.3.
Variant type: Deletion.
Coding change: c.490_496del on transcript NM_000051.4 (MANE Select); coding-DNA positions 490 to 496, 7 bases deleted (TGGTTAG; older notation c.490_496delTGGTTAG).
Protein change: p.Trp164fs; shifts the reading frame from tryptophan 164.
Molecular consequence: frameshift variant.
Genome position (GRCh38, 1-based): chr11:108,235,828-108,235,834, TGGTTAG deleted; deleting any 7 consecutive bases within chr11:108,235,826-108,235,834 gives the same sequence; the c. name uses the placement nearest the transcript's 3' end. VCF-style (leftmost placement, unchanged base first): chr11-108235825-CAGTGGTT-C. GRCh37 (hg19) VCF-style: chr11-108106552-CAGTGGTT-C.
Other names: c.490_496del, p.Trp164fs (NM_001351834.2); short protein forms W164fs.
Identifiers: ClinVar variation 2568148 (VCV002568148.2), dbSNP rs2497022589, ClinGen allele CA2580616427.